The following is an entry in ClinVar:

ClinVar aggregate classification (germline): Uncertain significance (1 of 4 stars; one submission).

gnomAD v4.1: 4 of 1,608,742 alleles (0.00025%); highest among the groups gnomAD compares: Non-Finnish European, 0.00034%; no homozygotes.

Submission:

Labcorp Genetics (formerly Invitae), Labcorp
Classification: Uncertain significance. Last evaluated: 2022-04-08. Review status: criteria provided, single submitter. Criteria: Invitae Variant Classification Sherloc (09022015). Collection method: clinical testing. Allele origin: germline.
Comment: In summary, the available evidence is currently insufficient to determine the role of this variant in disease. Therefore, it has been classified as a Variant of Uncertain Significance. Algorithms developed to predict the effect of missense changes on protein structure and function are either unavailable or do not agree on the potential impact of this missense change (SIFT: "Deleterious"; PolyPhen-2: "Probably Damaging"; Align-GVGD: "Class C15"). This missense change has been observed in individual(s) with clinical features of NDST1-related conditions (Invitae). This variant is not present in population databases (gnomAD no frequency). This sequence change replaces valine, which is neutral and non-polar, with methionine, which is neutral and non-polar, at codon 323 of the NDST1 protein (p.Val323Met).

NM_001543.5(NDST1):c.967G>A (p.Val323Met)

Gene: NDST1 (N-deacetylase and N-sulfotransferase 1; plus strand). Cytogenetic location: 5q33.1.
Variant type: single nucleotide variant.
Coding change: c.967G>A on transcript NM_001543.5 (MANE Select); coding-DNA position 967, G replaced by A.
Protein change: p.Val323Met; replaces valine 323 with methionine.
Molecular consequence: missense variant.
Genome position (GRCh38, 1-based): chr5:150,528,257, G>A. VCF-style: chr5-150528257-G-A. GRCh37 (hg19) VCF-style: chr5-149907819-G-A.
Other names: c.967G>A, p.Val323Met (NM_001301063.2); short protein forms V323M.
Identifiers: ClinVar variation 1942101 (VCV001942101.5), dbSNP rs1392222515, ClinGen allele CA361765514.